The following is an entry in ClinVar:

ClinVar aggregate classification (germline): Uncertain significance (1 of 4 stars; one submission).

Submission:

GeneDx
Classification: Uncertain significance. Last evaluated: 2022-07-14. Review status: criteria provided, single submitter. Criteria: GeneDx Variant Classification Process June 2021. Collection method: clinical testing. Allele origin: germline. Affected: yes.
Comment: Has not been previously published as pathogenic or benign to our knowledge; Not observed at significant frequency in large population cohorts (gnomAD); In silico analysis supports that this missense variant has a deleterious effect on protein structure/function; This variant is associated with the following publications: (PMID: 12668474)

NM_000540.3(RYR1):c.6675C>G (p.Phe2225Leu)

Gene: RYR1 (ryanodine receptor 1; plus strand). Cytogenetic location: 19q13.2.
Variant type: single nucleotide variant.
Coding change: c.6675C>G on transcript NM_000540.3 (MANE Select); coding-DNA position 6675, C replaced by G.
Protein change: p.Phe2225Leu; replaces phenylalanine 2225 with leucine.
Molecular consequence: missense variant.
Genome position (GRCh38, 1-based): chr19:38,496,420, C>G. VCF-style: chr19-38496420-C-G. GRCh37 (hg19) VCF-style: chr19-38987060-C-G.
Other names: c.6675C>G, p.Phe2225Leu (NM_001042723.2); short protein forms F2225L.
Identifiers: ClinVar variation 1878890 (VCV001878890.1), dbSNP rs2514288445, ClinGen allele CA405666180.